The following is an entry in ClinVar:

ClinVar aggregate classification (germline): Conflicting classifications of pathogenicity. Review status: criteria provided, conflicting classifications (1 of 4 stars). 13 submissions from 12 submitters: Uncertain significance (3); Benign (2); Likely benign (6). 2 of the submissions do not count toward it. Last evaluated 2026-01-31.

Conditions:
Intrauterine growth retardation, metaphyseal dysplasia, adrenal hypoplasia congenita, genital anomalies, and immunodeficiency. Also called: IMAGEI SYNDROME. Identifiers: MedGen C5193036, MONDO:0032684, OMIM 618336.
Facial dysmorphism-immunodeficiency-livedo-short stature syndrome. Also called: FILS syndrome; Facial dysmorphism, immunodeficiency, livedo, and short stature. Identifiers: Orphanet 352712, MedGen C3554576, MONDO:0014058, OMIM 615139.
Colorectal cancer, susceptibility to, 12 (CRCS12). Also called: COLORECTAL CANCER, SUSCEPTIBILITY TO, ON CHROMOSOME 12q24. Identifiers: Orphanet 220460, MedGen C3554460, MONDO:0014038, OMIM 615083.
POLE-related disorder. Also called: POLE-related condition; POLE-related disorders.
Hereditary cancer-predisposing syndrome. Also called: Tumor predisposition; Hereditary Cancer Syndrome; Neoplastic Syndromes, Hereditary; Hereditary neoplastic syndrome. Identifiers: Orphanet 140162, MedGen C0027672, MeSH D009386, MONDO:0015356.

Allele frequency attached by ClinVar (database versions not stated): gnomAD exomes 0.00010 and 0.00024; ExAC 0.00023; gnomAD 0.00034; TOPMed 0.00040; ESP Exome Variant Server 0.00046.
gnomAD v4.1: 215 of 1,614,154 alleles (0.013%); highest among the groups gnomAD compares: African/African-American, 0.095%; 1 homozygote.

Submissions (13):

Labcorp Genetics (formerly Invitae), Labcorp
Classification: Benign. Last evaluated: 2026-01-31. Review status: criteria provided, single submitter. Criteria: Invitae Variant Classification Sherloc (09022015). Collection method: clinical testing. Allele origin: germline.

Women's Health and Genetics/Laboratory Corporation of America, LabCorp
Classification: Likely benign. Last evaluated: 2025-07-15. Review status: criteria provided, single submitter. Criteria: LabCorp Variant Classification Summary - May 2015. Collection method: clinical testing. Allele origin: germline.
Comment: Variant summary: POLE c.4246G>A (p.Ala1416Thr) results in a non-conservative amino acid change in the encoded protein sequence. Algorithms developed to predict the effect of missense changes on protein structure and function are either unavailable or do not agree on the potential impact of this missense change. The variant allele was found at a frequency of 0.00024 in 251414 control chromosomes, predominantly at a frequency of 0.004 within the Ashkenazi Jewish subpopulation in the gnomAD database. The observed variant frequency within Ashkenazi Jewish control individuals in the gnomAD database is approximately 3.58 fold of the estimated maximal expected allele frequency for a pathogenic variant in POLE causing Facial Dysmorphism, Immunodeficiency, Livedo, And Short Stature phenotype (0.0011). To our knowledge, no occurrence of c.4246G>A in individuals affected with Facial Dysmorphism, Immunodeficiency, Livedo, And Short Stature and no experimental evidence demonstrating its impact on protein function have been reported. ClinVar contains an entry for this variant (Variation ID: 240508). Based on the evidence outlined above, the variant was classified as likely benign.

CeGaT Center for Human Genetics Tuebingen
Classification: Likely benign. Last evaluated: 2025-02-01. Review status: criteria provided, single submitter. Criteria: CeGaT Center For Human Genetics Tuebingen Variant Classification Criteria Version 2. Collection method: clinical testing. Allele origin: germline. Affected: yes. Observed: 1 variant allele.
Comment: POLE: BP4, BS1

Institute for Biomarker Research, Medical Diagnostic Laboratories, L.L.C.
Classification: Benign for Hereditary cancer-predisposing syndrome. Last evaluated: 2025-01-10. Review status: criteria provided, single submitter. Criteria: ACMG Guidelines, 2015. Collection method: clinical testing. Allele origin: germline.
Comment: The missense variant NM_006231.4(POLE):c.4246G>A (p.Ala1416Thr) has not been reported previously as a pathogenic variant, to our knowledge. There is a small physicochemical difference between alanine and threonine, which is not likely to impact secondary protein structure as these residues share similar properties. The gene POLE has a low rate of benign missense variation as indicated by a high missense variants Z-Score of 2.65. The p.Ala1416Thr variant is not predicted to introduce a novel splice site by any splice site algorithm. The p.Ala1416Thr missense variant is predicted to be tolerated by both SIFT or PolyPhen2. The threonine residue at codon 1416 of POLE is present in Marmoset and 44 other mammalian species. For these reasons, this variant has been classified as Benign.

Blueprint Genetics
Classification: Likely benign. Last evaluated: 2024-10-30. Review status: criteria provided, single submitter. Criteria: ACMG Guidelines, 2015. Collection method: clinical testing. Allele origin: germline.

Sema4
Classification: Likely benign for Hereditary cancer-predisposing syndrome. Last evaluated: 2021-06-19. Review status: criteria provided, single submitter. Criteria: Sema4 Curation Guidelines. Collection method: curation. Allele origin: germline.

Ambry Genetics
Classification: Likely benign for Hereditary cancer-predisposing syndrome. Last evaluated: 2021-06-11. Review status: criteria provided, single submitter. Criteria: Ambry Variant Classification Scheme 2023. Collection method: clinical testing. Allele origin: germline.

GeneDx
Classification: Likely benign. Last evaluated: 2021-03-28. Review status: criteria provided, single submitter. Criteria: GeneDx Variant Classification Process June 2021. Collection method: clinical testing. Allele origin: germline. Affected: yes.
Comment: This variant is associated with the following publications: (PMID: 28873162)

Center for Genomics, Ann and Robert H. Lurie Children's Hospital of Chicago
Classification: Uncertain significance for Facial dysmorphism-immunodeficiency-livedo-short stature syndrome. Last evaluated: 2018-09-12. Review status: criteria provided, single submitter. Criteria: ACMG Guidelines, 2015. Collection method: clinical testing. Allele origin: germline.
Comment: POLE NM_006231.3 exon 33 p.Ala1416Thr (c.4246G>A): This variant has been reported in the literature in at least 1 individual with unspecified advanced cancer (Mandelker 2017 PMID:28873162). This variant is present in 0.4% (47/10152) of Ashkenazi Jewish alleles in the Genome Aggregation Database and is present in ClinVar (Variation ID:240508). This variant amnio acid Threonine (Thr) is present in >40 species, including mammals. This suggests that this variant may not impact the protein. Additional computational prediction tools also do not suggest an impact. In summary, data on this variant is insufficient for disease classification. Therefore, the clinical significance of this variant is uncertain.

Quest Diagnostics Nichols Institute San Juan Capistrano
Classification: Uncertain significance. Last evaluated: 2017-05-13. Review status: criteria provided, single submitter. Criteria: Quest Diagnostics criteria. Collection method: clinical testing. Allele origin: germline.

Center for Genomics, Ann and Robert H. Lurie Children's Hospital of Chicago
Classification: Uncertain significance for Colorectal cancer, susceptibility to, 12; Facial dysmorphism-immunodeficiency-livedo-short stature syndrome; Intrauterine growth retardation, metaphyseal dysplasia, adrenal hypoplasia congenita, genital anomalies, and immunodeficiency. Review status: criteria provided, single submitter. Criteria: ACMG Guidelines, 2015. Collection method: clinical testing. Allele origin: germline.
Comment: the same text as in the submission from Center for Genomics, Ann and Robert H. Lurie Children's Hospital of Chicago above.

PreventionGenetics, part of Exact Sciences
Classification: Likely benign for POLE-related condition. Last evaluated: 2019-06-07. Review status: no assertion criteria provided. Collection method: clinical testing. Allele origin: germline. Not counted in ClinVar's aggregate classification.
Comment: This variant is classified as likely benign based on ACMG/AMP sequence variant interpretation guidelines (Richards et al. 2015 PMID: 25741868, with internal and published modifications).

Department of Pathology and Laboratory Medicine, Sinai Health System
Classification: Uncertain significance. Review status: no assertion criteria provided. Collection method: clinical testing. Allele origin: unknown. Affected: yes. Study: The Canadian Open Genetics Repository (COGR). Not counted in ClinVar's aggregate classification.
Comment: The POLE p.Ala1416Thr variant was not reported in the literature nor was it identified in the following databases: Cosmic or LOVD 3.0. The variant was identified in dbSNP (ID: rs146711942) and ClinVar (classified as uncertain significance by GeneDx, Invitae, Quest Diagnostics Nichols Institute San Juan Capistrano and Center for Genomics, Ann and Robert H. Lurie Children's Hospital of Chicago, and as likely benign by Ambry Genetics). The variant was identified in control databases in 71 of 268310 chromosomes at a frequency of 0.0002646 (Genome Aggregation Database March 6, 2019, v2.1.1). The variant was observed in the following populations: Ashkenazi Jewish in 41 of 9856 chromosomes (freq: 0.00416), African in 20 of 23610 chromosomes (freq: 0.000847), Other in 4 of 6702 chromosomes (freq: 0.000597), East Asian in 1 of 19250 chromosomes (freq: 0.000052) and European (non-Finnish) in 5 of 118166 chromosomes (freq: 0.000042), but was not observed in the Latino, European (Finnish), or South Asian populations. The p.Ala1416 residue is not conserved in mammals and four out of five computational analyses (PolyPhen-2, SIFT, AlignGVGD, BLOSUM, MutationTaster) do not suggest a high likelihood of impact to the protein; however, this information is not predictive enough to rule out pathogenicity. The variant occurs outside of the splicing consensus sequence and in silico or computational prediction software programs (SpliceSiteFinder, MaxEntScan, NNSPLICE, GeneSplicer) do not predict a difference in splicing. In summary, based on the above information the clinical significance of this variant cannot be determined with certainty at this time. This variant is classified as a variant of uncertain significance.

NM_006231.4(POLE):c.4246G>A (p.Ala1416Thr)

Gene: POLE (DNA polymerase epsilon, catalytic subunit; minus strand). Cytogenetic location: 12q24.33.
Variant type: single nucleotide variant.
Coding change: c.4246G>A on transcript NM_006231.4 (MANE Select); coding-DNA position 4246, G replaced by A.
Protein change: p.Ala1416Thr; replaces alanine 1416 with threonine.
Molecular consequence: missense variant.
Genome position (GRCh38, 1-based): chr12:132,643,881, C>T on the plus strand (G>A on the coding strand, the complement: POLE is on the minus strand). VCF-style: chr12-132643881-C-T. GRCh37 (hg19) VCF-style: chr12-133220467-C-T.
Other names: short protein forms A1416T.
Identifiers: ClinVar variation 240508 (VCV000240508.42), dbSNP rs146711942, ClinGen allele CA6892932.